The following is an entry in ClinVar:

ClinVar aggregate classification (germline): Uncertain significance (1 of 4 stars; one submission).

Submission:

GeneDx
Classification: Uncertain significance. Last evaluated: 2025-01-24. Review status: criteria provided, single submitter. Criteria: GeneDx Variant Classification Process June 2021. Collection method: clinical testing. Allele origin: germline. Affected: yes.
Comment: Not observed at significant frequency in large population cohorts (gnomAD); Missense variant in a gene in which most reported pathogenic variants are truncating/loss of function; Has not been previously published as pathogenic or benign to our knowledge

NM_001267550.2(TTN):c.24901C>T (p.His8301Tyr)

Gene: TTN (titin; minus strand). Cytogenetic location: 2q31.2.
Variant type: single nucleotide variant.
Coding change: c.24901C>T on transcript NM_001267550.2 (MANE Select); coding-DNA position 24901, C replaced by T.
Protein change: p.His8301Tyr; replaces histidine 8301 with tyrosine.
Molecular consequence: missense variant. On other transcripts: intron variant (3).
Genome position (GRCh38, 1-based): chr2:178,718,105, G>A on the plus strand (C>T on the coding strand, the complement: TTN is on the minus strand). VCF-style: chr2-178718105-G-A. GRCh37 (hg19) VCF-style: chr2-179582832-G-A.
Other names: c.23950C>T, p.His7984Tyr (NM_001256850.1); c.21169C>T, p.His7057Tyr (NM_133378.4); c.13282+19977C>T (NM_003319.4); c.13858+19977C>T (NM_133437.4); c.13657+19977C>T (NM_133432.3); short protein forms H7057Y, H7984Y, H8301Y.
Identifiers: ClinVar variation 4071578 (VCV004071578.1).